The following is an entry in ClinVar:

ClinVar aggregate classification (germline): Uncertain significance (1 of 4 stars; one submission).

Conditions:
Cardiovascular phenotype. Identifiers: MedGen CN230736.

gnomAD v4.1: 10 of 1,612,282 alleles (0.00062%); highest among the groups gnomAD compares: Non-Finnish European, 0.00076%; no homozygotes.

Submission:

Ambry Genetics
Classification: Uncertain significance for Cardiovascular phenotype. Last evaluated: 2026-06-18. Review status: criteria provided, single submitter. Criteria: Ambry Variant Classification Scheme 2023. Collection method: clinical testing. Allele origin: germline.
Comment: The p.P257A variant (also known as c.769C>G), located in coding exon 9 of the TMEM43 gene, results from a C to G substitution at nucleotide position 769. The proline at codon 257 is replaced by alanine, an amino acid with highly similar properties. This amino acid position is conserved. In addition, this alteration is predicted to be tolerated by in silico analysis. Based on the available evidence, the clinical significance of this variant remains unclear.

NM_024334.3(TMEM43):c.769C>G (p.Pro257Ala)

Gene: TMEM43 (transmembrane protein 43; plus strand). Cytogenetic location: 3p25.1.
Variant type: single nucleotide variant.
Coding change: c.769C>G on transcript NM_024334.3 (MANE Select); coding-DNA position 769, C replaced by G.
Protein change: p.Pro257Ala; replaces proline 257 with alanine.
Molecular consequence: missense variant. On other transcripts: intron variant (1).
Genome position (GRCh38, 1-based): chr3:14,135,221, C>G. VCF-style: chr3-14135221-C-G. GRCh37 (hg19) VCF-style: chr3-14176721-C-G.
Other names: c.772C>G, p.Pro258Ala (NM_001407274.1); c.769C>G, p.Pro257Ala (NM_001407275.1, NM_001407276.1, NM_001407277.1); c.754C>G, p.Pro252Ala (NM_001407278.1); c.619C>G, p.Pro207Ala (NM_001407280.1); c.705+330C>G (NM_001407279.1); short protein forms P257A, P207A, P252A, P258A.
Identifiers: ClinVar variation 5030949 (VCV005030949.1).